The following is an entry in ClinVar:

ClinVar aggregate classification (germline): Uncertain significance (1 of 4 stars; one submission).

Conditions:
Hereditary cancer-predisposing syndrome. Also called: Neoplastic Syndromes, Hereditary; Tumor predisposition; Hereditary neoplastic syndrome; Hereditary Cancer Syndrome. Identifiers: Orphanet 140162, MedGen C0027672, MeSH D009386, MONDO:0015356.

Submission:

Ambry Genetics
Classification: Uncertain significance for Hereditary cancer-predisposing syndrome. Last evaluated: 2026-07-07. Review status: criteria provided, single submitter. Criteria: Ambry Variant Classification Scheme 2023. Collection method: clinical testing. Allele origin: germline.
Comment: The p.W43R variant (also known as c.127T>C), located in coding exon 2 of the SDHD gene, results from a T to C substitution at nucleotide position 127. The tryptophan at codon 43 is replaced by arginine, an amino acid with dissimilar properties. This amino acid position is conserved. In addition, the in silico prediction for this alteration is inconclusive. Based on the available evidence, the clinical significance of this variant remains unclear.

NM_003002.4(SDHD):c.127T>C (p.Trp43Arg)

Gene: SDHD (succinate dehydrogenase complex subunit D; plus strand). Cytogenetic location: 11q23.1.
Variant type: single nucleotide variant.
Coding change: c.127T>C on transcript NM_003002.4 (MANE Select); coding-DNA position 127, T replaced by C.
Protein change: p.Trp43Arg; replaces tryptophan 43 with arginine.
Molecular consequence: missense variant. On other transcripts: non-coding transcript variant (1), intron variant (1).
Genome position (GRCh38, 1-based): chr11:112,087,931, T>C. VCF-style: chr11-112087931-T-C. GRCh37 (hg19) VCF-style: chr11-111958655-T-C.
Other names: c.127T>C, p.Trp43Arg (NM_001276503.2, NM_001276506.2); c.53-936T>C (NM_001276504.2); short protein forms W43R.
Identifiers: ClinVar variation 5029374 (VCV005029374.1).